The following is an entry in ClinVar:

Conditions:
Arteriohepatic dysplasia. Also called: Alagille Syndrome. Identifiers: Orphanet 52, MedGen C0085280, MeSH D016738, MONDO:0007318.

Submission:

Gilbert/Spinner Lab, Children's Hospital of Philadelphia
No classification provided (evidence only). Condition: Alagille syndrome. Review status: no classification provided. Collection method: research. Allele origin: not applicable. Functional consequence: functionally_abnormal.
ClinVar note: "not provided" was previously submitted as the classification for the variant. However, the classification appeared to be based only on an observation of functional data so it was converted to no classification on 2025-07-30.

NM_000214.3(JAG1):c.853G>C (p.Glu285Gln)

Gene: JAG1 (jagged canonical Notch ligand 1; minus strand). Cytogenetic location: 20p12.2.
Variant type: single nucleotide variant.
Coding change: c.853G>C on transcript NM_000214.3 (MANE Select); coding-DNA position 853, G replaced by C.
Protein change: p.Glu285Gln; replaces glutamic acid 285 with glutamine.
Molecular consequence: missense variant.
Genome position (GRCh38, 1-based): chr20:10,652,501, C>G on the plus strand (G>C on the coding strand, the complement: JAG1 is on the minus strand). VCF-style: chr20-10652501-C-G. GRCh37 (hg19) VCF-style: chr20-10633149-C-G.
Other names: short protein forms E285Q.
Identifiers: ClinVar variation 3573383 (VCV003573383.2).